The following is an entry in ClinVar:

NM_002524.5(NRAS):c.491G>A (p.Arg164His)

Gene: NRAS (NRAS proto-oncogene, GTPase; minus strand). Cytogenetic location: 1p13.2.
Variant type: single nucleotide variant.
Coding change: c.491G>A on transcript NM_002524.5 (MANE Select); coding-DNA position 491, G replaced by A.
Protein change: p.Arg164His; replaces arginine 164 with histidine.
Molecular consequence: missense variant.
Genome position (GRCh38, 1-based): chr1:114,708,614, C>T on the plus strand (G>A on the coding strand, the complement: NRAS is on the minus strand). VCF-style: chr1-114708614-C-T. GRCh37 (hg19) VCF-style: chr1-115251235-C-T.
Other names: short protein forms R164H.
Identifiers: ClinVar variation 4759571 (VCV004759571.1).

ClinVar aggregate classification (germline): Uncertain significance (1 of 4 stars; one submission).

Conditions:
RASopathy. Also called: Noonan spectrum disorder; rasopathies. Identifiers: Orphanet 536391, MedGen C5555857, MONDO:0021060.

gnomAD v4.1: 19 of 1,612,280 alleles (0.0012%); highest among the groups gnomAD compares: East Asian, 0.0089%; no homozygotes.

Submission:

Labcorp Genetics (formerly Invitae), Labcorp
Classification: Uncertain significance for RASopathy. Last evaluated: 2025-03-20. Review status: criteria provided, single submitter. Criteria: Invitae Variant Classification Sherloc (09022015). Collection method: clinical testing. Allele origin: germline.
Comment: This sequence change replaces arginine, which is basic and polar, with histidine, which is basic and polar, at codon 164 of the NRAS protein (p.Arg164His). This variant is present in population databases (rs758669528, gnomAD 0.0009%). This variant has not been reported in the literature in individuals affected with NRAS-related conditions. Invitae Evidence Modeling of protein sequence and biophysical properties (such as structural, functional, and spatial information, amino acid conservation, physicochemical variation, residue mobility, and thermodynamic stability) indicates that this missense variant is not expected to disrupt NRAS protein function with a negative predictive value of 95%. In summary, the available evidence is currently insufficient to determine the role of this variant in disease. Therefore, it has been classified as a Variant of Uncertain Significance.